The following is an entry in ClinVar:

ClinVar aggregate classification (germline): Uncertain significance (1 of 4 stars; one submission).

Conditions:
Autosomal dominant Parkinson disease 8. Also called: LRRK2-Related Parkinson Disease; Parkinson disease 8; Parkinson disease 8, susceptibility to. Identifiers: Orphanet 411602, MedGen C1846862, MONDO:0011764, OMIM 607060.

Allele frequency attached by ClinVar (database versions not stated): TOPMed below 0.00001; ExAC 0.00001; gnomAD 0.00001; gnomAD exomes 0.00002; 1000 Genomes Project 30x 0.00016; 1000 Genomes Project 0.00020.
gnomAD v4.1: 29 of 1,604,414 alleles (0.0018%); highest among the groups gnomAD compares: Non-Finnish European, 0.0024%; no homozygotes.

Submission:

Labcorp Genetics (formerly Invitae), Labcorp
Classification: Uncertain significance for Autosomal dominant Parkinson disease 8. Last evaluated: 2023-01-26. Review status: criteria provided, single submitter. Criteria: Invitae Variant Classification Sherloc (09022015). Collection method: clinical testing. Allele origin: germline.
Comment: In summary, the available evidence is currently insufficient to determine the role of this variant in disease. Therefore, it has been classified as a Variant of Uncertain Significance. Advanced modeling of protein sequence and biophysical properties (such as structural, functional, and spatial information, amino acid conservation, physicochemical variation, residue mobility, and thermodynamic stability) has been performed at Invitae for this missense variant, however the output from this modeling did not meet the statistical confidence thresholds required to predict the impact of this variant on LRRK2 protein function. This variant has not been reported in the literature in individuals affected with LRRK2-related conditions. This variant is present in population databases (rs553007697, gnomAD 0.003%). This sequence change replaces asparagine, which is neutral and polar, with serine, which is neutral and polar, at codon 2499 of the LRRK2 protein (p.Asn2499Ser).

NM_198578.4(LRRK2):c.7496A>G (p.Asn2499Ser)

Gene: LRRK2 (leucine rich repeat kinase 2; plus strand). Cytogenetic location: 12q12.
Variant type: single nucleotide variant.
Coding change: c.7496A>G on transcript NM_198578.4 (MANE Select); coding-DNA position 7496, A replaced by G.
Protein change: p.Asn2499Ser; replaces asparagine 2499 with serine.
Molecular consequence: missense variant.
Genome position (GRCh38, 1-based): chr12:40,367,677, A>G. VCF-style: chr12-40367677-A-G. GRCh37 (hg19) VCF-style: chr12-40761479-A-G.
Other names: short protein forms N2499S.
Identifiers: ClinVar variation 3016962 (VCV003016962.3), dbSNP rs553007697, ClinGen allele CA6514969.